The following is an entry in ClinVar:

ClinVar aggregate classification (germline): Pathogenic (1 of 4 stars; one submission).

Conditions:
Autosomal recessive limb-girdle muscular dystrophy type 2O. Also called: Limb-Girdle Muscular Dystrophy Type 3C; MUSCULAR DYSTROPHY-DYSTROGLYCANOPATHY (LIMB-GIRDLE), TYPE C, 3; MUSCULAR DYSTROPHY-DYSTROGLYCANOPATHY, LIMB-GIRDLE, POMGNT1-RELATED. Identifiers: Orphanet 206564, MedGen C3150417, MONDO:0013161, OMIM 613157.
Muscular dystrophy-dystroglycanopathy (congenital with impaired intellectual development), type B, 3. Also called: MUSCULAR DYSTROPHY, CONGENITAL, POMGNT1-RELATED; Muscular dystrophy-dystroglycanopathy (congenital with intellectual disability), type B3. Identifiers: MedGen C3150412, MONDO:0013155, OMIM 613151.

Submission:

Labcorp Genetics (formerly Invitae), Labcorp
Classification: Pathogenic for Autosomal recessive limb-girdle muscular dystrophy type 2O; Muscular dystrophy-dystroglycanopathy (congenital with impaired intellectual development), type B, 3. Last evaluated: 2023-11-09. Review status: criteria provided, single submitter. Criteria: Invitae Variant Classification Sherloc (09022015). Collection method: clinical testing. Allele origin: germline.
Comment: This sequence change creates a premature translational stop signal (p.Tyr458*) in the POMGNT1 gene. It is expected to result in an absent or disrupted protein product. Loss-of-function variants in POMGNT1 are known to be pathogenic (PMID: 19299310, 20816175, 21447391, 26908613, 27391550). This variant is not present in population databases (gnomAD no frequency). This variant has not been reported in the literature in individuals affected with POMGNT1-related conditions. Algorithms developed to predict the effect of sequence changes on RNA splicing suggest that this variant may disrupt the consensus splice site. For these reasons, this variant has been classified as Pathogenic.

Literature cited by the submitters: PubMed 19299310; PubMed 20816175; PubMed 21447391; PubMed 26908613; PubMed 27391550.

NM_017739.4(POMGNT1):c.1374C>G (p.Tyr458Ter)

Genes: POMGNT1 (protein O-linked mannose N-acetylglucosaminyltransferase 1 (beta 1,2-); minus strand), TSPAN1 (tetraspanin 1; plus strand). Cytogenetic location: 1p34.1.
Variant type: single nucleotide variant.
Coding change: c.1374C>G on transcript NM_017739.4 (MANE Select); coding-DNA position 1374, C replaced by G.
Protein change: p.Tyr458Ter; replaces tyrosine 458 with a stop codon.
Molecular consequence: nonsense.
Genome position (GRCh38, 1-based): chr1:46,192,347, G>C on the plus strand (C>G on the coding strand, the complement: POMGNT1 is on the minus strand). VCF-style: chr1-46192347-G-C. GRCh37 (hg19) VCF-style: chr1-46658019-G-C.
Other names: c.1374C>G, p.Tyr458Ter (NM_001243766.2, NM_001410783.1); c.1308C>G, p.Tyr436Ter (NM_001290129.3); c.945C>G, p.Tyr315Ter (NM_001290130.2); short protein forms Y315*, Y436*, Y458*.
Identifiers: ClinVar variation 2950694 (VCV002950694.3), dbSNP rs2525387215, ClinGen allele CA340175101.